The following is an entry in ClinVar:

ClinVar aggregate classification (germline): Benign. Review status: criteria provided, multiple submitters, no conflicts (2 of 4 stars). 4 submissions from 4 submitters: Benign (4). Last evaluated 2026-01-22.

Allele frequency attached by ClinVar (database versions not stated): ESP Exome Variant Server 0.00050; gnomAD 0.00222 and 0.00316; TOPMed 0.00570; 1000 Genomes Project 30x 0.01827; 1000 Genomes Project 0.01937.
gnomAD v4.1: 3,810 of 1,612,944 alleles (0.24%); highest among the groups gnomAD compares: East Asian, 6.5%; 128 homozygotes.

Submissions (5):

Labcorp Genetics (formerly Invitae), Labcorp
Classification: Benign. Last evaluated: 2026-01-22. Review status: criteria provided, single submitter. Criteria: Invitae Variant Classification Sherloc (09022015). Collection method: clinical testing. Allele origin: germline.

GeneDx
Classification: Benign. Last evaluated: 2017-11-27. Review status: criteria provided, single submitter. Criteria: GeneDx Variant Classification (06012015). Collection method: clinical testing. Allele origin: germline. Affected: yes.
Comment: This variant is considered likely benign or benign based on one or more of the following criteria: it is a conservative change, it occurs at a poorly conserved position in the protein, it is predicted to be benign by multiple in silico algorithms, and/or has population frequency not consistent with disease.

Laboratory for Molecular Medicine, Mass General Brigham Personalized Medicine
Classification: Benign. Last evaluated: 2014-11-24. Review status: criteria provided, single submitter. Criteria: LMM Criteria. Collection method: clinical testing. Allele origin: germline. Observed: 11 variant alleles.
Comment: His649Leu in exon 18 of OTOGL: This variant is not expected to have clinical sig nificance because it has been identified in 6.5% (13/200) of Han Chinese chromos omes from a broad population by the 1000 Genomes Project (h.gov/projects/SNP; dbSNP rs79711087).

Breakthrough Genomics
Classification: Benign. Review status: criteria provided, single submitter. Criteria: ACMG Guidelines, 2015. Collection method: not provided. Allele origin: germline. Inheritance: Autosomal recessive inheritance. Affected: yes.

Dr. Peter K. Rogan Lab, Western University
No classification provided (evidence only). Condition: Gastric cancer. Review status: no classification provided. Collection method: in vitro. Allele origin: not applicable. Functional consequence: retained intron. Not counted in ClinVar's aggregate classification.

NM_001378609.3(OTOGL):c.1973A>T (p.His658Leu)

Gene: OTOGL (otogelin like; plus strand). Cytogenetic location: 12q21.31.
Variant type: single nucleotide variant.
Coding change: c.1973A>T on transcript NM_001378609.3 (MANE Select); coding-DNA position 1973, A replaced by T.
Protein change: p.His658Leu; replaces histidine 658 with leucine.
Molecular consequence: missense variant.
Genome position (GRCh38, 1-based): chr12:80,262,052, A>T. VCF-style: chr12-80262052-A-T. GRCh37 (hg19) VCF-style: chr12-80655832-A-T.
Other names: c.1973A>T, p.His658Leu (NM_001368062.3, NM_001378610.3, NM_173591.7); short protein forms H649L, H658L.
Identifiers: ClinVar variation 226929 (VCV000226929.17), dbSNP rs79711087, ClinGen allele CA6700631.